The following is an entry in ClinVar:

ClinVar aggregate classification (germline): Uncertain significance (1 of 4 stars; one submission).

Conditions:
Cowden syndrome (CS). Also called: Cowden's disease; Cowden's syndrome; Cowden disease. Identifiers: Orphanet 201, MedGen C0018553, MONDO:0016063. Disease mechanism: gain of function.

Submission:

Labcorp Genetics (formerly Invitae), Labcorp
Classification: Uncertain significance for Cowden syndrome. Last evaluated: 2022-02-16. Review status: criteria provided, single submitter. Criteria: Invitae Variant Classification Sherloc (09022015). Collection method: clinical testing. Allele origin: germline.
Comment: This variant is not present in population databases (gnomAD no frequency). This sequence change replaces aspartic acid, which is acidic and polar, with valine, which is neutral and non-polar, at codon 830 of the PIK3CA protein (p.Asp830Val). This variant has not been reported in the literature in individuals affected with PIK3CA-related conditions. Algorithms developed to predict the effect of missense changes on protein structure and function (SIFT, PolyPhen-2, Align-GVGD) all suggest that this variant is likely to be disruptive. In summary, the available evidence is currently insufficient to determine the role of this variant in disease. Therefore, it has been classified as a Variant of Uncertain Significance.

NM_006218.4(PIK3CA):c.2489A>T (p.Asp830Val)

Gene: PIK3CA (phosphatidylinositol-4,5-bisphosphate 3-kinase catalytic subunit alpha; plus strand). Cytogenetic location: 3q26.32.
Variant type: single nucleotide variant.
Coding change: c.2489A>T on transcript NM_006218.4 (MANE Select); coding-DNA position 2489, A replaced by T.
Protein change: p.Asp830Val; replaces aspartic acid 830 with valine.
Molecular consequence: missense variant.
Genome position (GRCh38, 1-based): chr3:179,226,034, A>T. VCF-style: chr3-179226034-A-T. GRCh37 (hg19) VCF-style: chr3-178943822-A-T.
Other names: short protein forms D830V.
Identifiers: ClinVar variation 2155039 (VCV002155039.4), dbSNP rs2108419629, ClinGen allele CA355274752.